The following is an entry in ClinVar:

NM_000053.4(ATP7B):c.4322A>G (p.His1441Arg)

Gene: ATP7B (ATPase copper transporting beta; minus strand). Cytogenetic location: 13q14.3.
Variant type: single nucleotide variant.
Coding change: c.4322A>G on transcript NM_000053.4 (MANE Select); coding-DNA position 4322, A replaced by G.
Protein change: p.His1441Arg; replaces histidine 1441 with arginine.
Molecular consequence: missense variant.
Genome position (GRCh38, 1-based): chr13:51,934,832, T>C on the plus strand (A>G on the coding strand, the complement: ATP7B is on the minus strand). VCF-style: chr13-51934832-T-C. GRCh37 (hg19) VCF-style: chr13-52508968-T-C.
Other names: c.3701A>G, p.His1234Arg (NM_001005918.3); c.3989A>G, p.His1330Arg (NM_001243182.2); c.4088A>G, p.His1363Arg (NM_001330578.2, NM_001406527.1, NM_001406528.1); c.4070A>G, p.His1357Arg (NM_001330579.2, NM_001406531.1, NM_001406532.1); c.4322A>G, p.His1441Arg (NM_001406511.1, NM_001406512.1); c.4316A>G, p.His1439Arg (NM_001406513.1); c.4289A>G, p.His1430Arg (NM_001406514.1); c.4268A>G, p.His1423Arg (NM_001406515.1, NM_001406516.1); and 21 more; short protein forms H1011R, H1160R, H1214R, H1225R, H1234R, H1247R, H1277R, H1279R.
Identifiers: ClinVar variation 3387216 (VCV003387216.1).

ClinVar aggregate classification (germline): Uncertain significance (1 of 4 stars; one submission).

Conditions:
Wilson disease (WND). Also called: Wilson's disease. Identifiers: Orphanet 905, MedGen C0019202, MONDO:0010200, OMIM 277900. Disease mechanism: loss of function.

Submission:

All of Us Research Program, National Institutes of Health
Classification: Uncertain significance for Wilson disease. Last evaluated: 2024-08-06. Review status: criteria provided, single submitter. Criteria: ACMG Guidelines, 2015. Collection method: clinical testing. Allele origin: germline. Inheritance: Autosomal recessive inheritance. Observed: 1 variant allele, 1 heterozygote.
Comment: This missense variant replaces histidine with arginine at codon 1441 of the ATP7B protein. Computational prediction suggests that this variant may not impact protein structure and function (internally defined REVEL score threshold <= 0.5, PMID: 27666373). To our knowledge, functional studies have not been reported for this variant. This variant has not been reported in individuals affected with Wilson disease in the literature. This variant has not been identified in the general population by the Genome Aggregation Database (gnomAD). The available evidence is insufficient to determine the role of this variant in disease conclusively. Therefore, this variant is classified as a Variant of Uncertain Significance.

This study involves interpretation of variants in research participants for the purpose of population health screening. Participant phenotype was not available at the time of variant classification. Additional details can be found in publication PMID: 35346344, PMCID: PMC8962531